The following is an entry in ClinVar:

NM_000525.4(KCNJ11):c.1154C>G (p.Ser385Cys)

Gene: KCNJ11 (potassium inwardly rectifying channel subfamily J member 11; minus strand). Cytogenetic location: 11p15.1.
Variant type: single nucleotide variant.
Coding change: c.1154C>G on transcript NM_000525.4 (MANE Select); coding-DNA position 1154, C replaced by G.
Protein change: p.Ser385Cys; replaces serine 385 with cysteine.
Molecular consequence: missense variant.
Genome position (GRCh38, 1-based): chr11:17,386,938, G>C on the plus strand (C>G on the coding strand, the complement: KCNJ11 is on the minus strand). VCF-style: chr11-17386938-G-C. GRCh37 (hg19) VCF-style: chr11-17408485-G-C.
Other names: c.893C>G, p.Ser298Cys (NM_001166290.2, NM_001377296.1, NM_001377297.1); short protein forms S385C, S298C.
Identifiers: ClinVar variation 36430 (VCV000036430.36), dbSNP rs41282930, ClinGen allele CA172322.

ClinVar aggregate classification (germline): Conflicting classifications of pathogenicity. Review status: criteria provided, conflicting classifications (1 of 4 stars). 15 submissions from 13 submitters: Uncertain significance (2); Benign (10); Likely benign (3). Last evaluated 2026-04-01.

Conditions:
Monogenic diabetes. Identifiers: Orphanet 183625, MedGen C3888631, MONDO:0015967.
Maturity-onset diabetes of the young (MODY). Also called: Maturity onset diabetes mellitus in young. Identifiers: Orphanet 552, MedGen C0342276, MONDO:0018911, HP:0004904.
Neonatal diabetes mellitus (NDM). Identifiers: Orphanet 224, MedGen C0158981, MONDO:0016391.
Hyperinsulinemic hypoglycemia, familial, 2. Also called: HYPERINSULINEMIC HYPOGLYCEMIA, PERSISTENT; HYPERINSULINISM, NEONATAL. Identifiers: Orphanet 276580, Orphanet 276603, MedGen C2931833, MONDO:0011153, OMIM 601820. Disease mechanism: loss of function.
Diabetes mellitus, transient neonatal, 3 (TNDM3). Identifiers: Orphanet 99886, MedGen C1864623, MONDO:0012522, OMIM 610582. Disease mechanism: loss of function.
Maturity-onset diabetes of the young type 13. Also called: MODY, TYPE 13. Identifiers: Orphanet 552, MedGen C4225365, MONDO:0014589, OMIM 616329.

Allele frequency attached by ClinVar (database versions not stated): gnomAD exomes 0.00323; gnomAD 0.00945 and 0.00987; ESP Exome Variant Server 0.01016; TOPMed 0.01067; 1000 Genomes Project 0.01098; 1000 Genomes Project 30x 0.01109.

Submissions (15):

CeGaT Center for Human Genetics Tuebingen
Classification: Benign. Last evaluated: 2026-04-01. Review status: criteria provided, single submitter. Criteria: CeGaT Center For Human Genetics Tuebingen Variant Classification Criteria Version 2. Collection method: clinical testing. Allele origin: germline. Affected: yes. Observed: 2 variant alleles.
Comment: KCNJ11: BP4, BS1, BS2

Labcorp Genetics (formerly Invitae), Labcorp
Classification: Benign. Last evaluated: 2026-01-28. Review status: criteria provided, single submitter. Criteria: Invitae Variant Classification Sherloc (09022015). Collection method: clinical testing. Allele origin: germline.

ARUP Laboratories, Molecular Genetics and Genomics, ARUP Laboratories
Classification: Benign. Last evaluated: 2025-03-31. Review status: criteria provided, single submitter. Criteria: ARUP Molecular Germline Variant Investigation Process 2024. Collection method: clinical testing. Allele origin: germline.

Blueprint Genetics
Classification: Likely benign. Last evaluated: 2024-11-27. Review status: criteria provided, single submitter. Criteria: ACMG Guidelines, 2015. Collection method: clinical testing. Allele origin: germline.

Pars Genome Lab
Classification: Likely benign for Hyperinsulinemic hypoglycemia, familial, 2. Last evaluated: 2021-05-18. Review status: criteria provided, single submitter. Criteria: ACMG Guidelines, 2015. Collection method: clinical testing. Allele origin: germline. Affected: no.

GeneDx
Classification: Benign. Last evaluated: 2021-02-22. Review status: criteria provided, single submitter. Criteria: GeneDx Variant Classification Process June 2021. Collection method: clinical testing. Allele origin: germline. Affected: yes.
Comment: This variant is associated with the following publications: (PMID: 22289434, 21968738, 24068186, 21119644, 25998140, 24698822, 28460053, 31149081, 25247988, 28587604, 8897013, 10338089, 15504982, 15115830, 29396286)

Personalized Diabetes Medicine Program, University of Maryland School of Medicine
Classification: Benign for Monogenic diabetes. Last evaluated: 2019-02-22. Review status: criteria provided, single submitter. Criteria: ACMG Guidelines, 2015. Collection method: research. Allele origin: unknown. Observed: 6 variant alleles, 6 heterozygotes.
Comment: ACMG criteria: BA1 (2.4% in Africans in gnomAD) + BS2 (125 controls and 75 cases in T2D) (removed BP4 because of conflicting evidence: BP4 [4 predictors]; PP3 [6 predictors], REVEL=0.369)=benign

Illumina Laboratory Services, Illumina
Classification: Benign for Maturity-onset diabetes of the young type 13. Last evaluated: 2018-01-13. Review status: criteria provided, single submitter. Criteria: ICSL Variant Classification Criteria 13 December 2019. Collection method: clinical testing. Allele origin: germline.
Comment: This variant was observed in the ICSL laboratory as part of a predisposition screen in an ostensibly healthy population. It had not been previously curated by ICSL or reported in the Human Gene Mutation Database (HGMD: prior to June 1st, 2018), and was therefore a candidate for classification through an automated scoring system. Utilizing variant allele frequency, disease prevalence and penetrance estimates, and inheritance mode, an automated score was calculated to assess if this variant is too frequent to cause the disease. Based on the score and internal cut-off values, a variant classified as benign is not then subjected to further curation. The score for this variant resulted in a classification of benign for this disease.

Illumina Laboratory Services, Illumina
Classification: Uncertain significance for Hyperinsulinemic hypoglycemia, familial, 2. Last evaluated: 2018-01-13. Review status: criteria provided, single submitter. Criteria: ICSL Variant Classification Criteria 13 December 2019. Collection method: clinical testing. Allele origin: germline.

Illumina Laboratory Services, Illumina
Classification: Benign for Diabetes mellitus, transient neonatal, 3. Last evaluated: 2018-01-13. Review status: criteria provided, single submitter. Criteria: ICSL Variant Classification Criteria 13 December 2019. Collection method: clinical testing. Allele origin: germline.
Comment: the same text as in the submission from Illumina Laboratory Services, Illumina above.

Athena Diagnostics
Classification: Benign. Last evaluated: 2017-11-01. Review status: criteria provided, single submitter. Criteria: Athena Diagnostics Criteria. Collection method: clinical testing. Allele origin: germline.

Genetic Services Laboratory, University of Chicago
Classification: Benign. Last evaluated: 2013-10-17. Review status: criteria provided, single submitter. Criteria: ACMG Guidelines, 2007. Collection method: clinical testing. Allele origin: germline. Inheritance: Autosomal unknown.

Women's Health and Genetics/Laboratory Corporation of America, LabCorp
Classification: Likely benign for Neonatal Diabetes Mellitus. Last evaluated: 2011-08-18. Review status: criteria provided, single submitter. Criteria: LabCorp Variant Classification Summary - May 2015. Collection method: clinical testing. Allele origin: germline. Inheritance: autosomal unknown.
ClinVar note: Converted during submission from likely benign to Likely benign.

Clinical Genomics, Uppaluri K&H Personalized Medicine Clinic
Classification: Uncertain significance for Maturity-onset diabetes of the young. Review status: criteria provided, single submitter. Criteria: K&H Uppaluri Personalized Medicine Clinic Variant Classification & Assertion Criteria. Collection method: research. Allele origin: somatic. Inheritance: Autosomal dominant inheritance.
Comment: Mutations in KCNJ11 gene can cause decreased production and secretion of insulin. This can lead to MODY which may be responsive to oral sulfonylureas. It is also associated with Neonatal Diabetes. However, no sufficient evidence is found to ascertain the role of rs41282930 variant in Diabetes Mellitus yet.

PreventionGenetics, part of Exact Sciences
Classification: Benign. Review status: criteria provided, single submitter. Criteria: ACMG Guidelines, 2015. Collection method: clinical testing. Allele origin: germline.

Literature cited by the submitters: PubMed 10338089 (cited by Athena Diagnostics); PubMed 15115830 (cited by Athena Diagnostics and Women's Health and Genetics/Laboratory Corporation of America, LabCorp); PubMed 15504982 (cited by Athena Diagnostics and Women's Health and Genetics/Laboratory Corporation of America, LabCorp); PubMed 8897013 (cited by Athena Diagnostics and Women's Health and Genetics/Laboratory Corporation of America, LabCorp); PubMed 26448950 (cited by Clinical Genomics, Uppaluri K&H Personalized Medicine Clinic); PubMed 15580558 (cited by Clinical Genomics, Uppaluri K&H Personalized Medicine Clinic); PubMed 15718250 (cited by Clinical Genomics, Uppaluri K&H Personalized Medicine Clinic).